The following is an entry in ClinVar:

ClinVar aggregate classification (germline): Conflicting classifications of pathogenicity. Review status: criteria provided, conflicting classifications (1 of 4 stars). 3 submissions from 3 submitters: Uncertain significance (1); Likely benign (1). 1 of the submissions does not count toward it. Last evaluated 2023-03-23.

Conditions:
Hereditary breast ovarian cancer syndrome. Also called: Hereditary breast and ovarian cancer syndrome; Hereditary breast and ovarian cancer; Hereditary breast and ovarian cancer syndrome (HBOC); Breast and ovarian cancer; Hereditary breast and/or ovarian cancer syndrome; BRCA1- and BRCA2-Associated Hereditary Breast and Ovarian Cancer. Identifiers: Orphanet 145, MedGen C0677776, MeSH D061325, MONDO:0003582. Disease mechanism: loss of function.
Breast-ovarian cancer, familial, susceptibility to, 2 (BROVCA2). Also called: BRCA2 Hereditary Breast and Ovarian Cancer. Identifiers: Orphanet 145, MedGen C2675520, MONDO:0012933, OMIM 612555. Disease mechanism: loss of function.
Hereditary cancer-predisposing syndrome. Also called: Neoplastic Syndromes, Hereditary; Tumor predisposition; Hereditary Cancer Syndrome; Hereditary neoplastic syndrome. Identifiers: Orphanet 140162, MedGen C0027672, MeSH D009386, MONDO:0015356.

Allele frequency attached by ClinVar (database versions not stated): gnomAD exomes below 0.00001; ExAC 0.00001.
gnomAD v4.1: 1 of 1,566,636 alleles (0.000064%); highest among the groups gnomAD compares: South Asian, 0.0012%; no homozygotes.

Submissions (3):

University of Washington Department of Laboratory Medicine, University of Washington
Classification: Likely benign for Hereditary cancer-predisposing syndrome. Last evaluated: 2023-03-23. Review status: criteria provided, single submitter. Criteria: Dines et al. (Genet Med. 2020). Collection method: curation. Allele origin: germline.
Comment: Missense variant in a coldspot region where missense variants are very unlikely to be pathogenic (PMID:31911673).

BRCA2 exon 11 coldspot. Reclassification based on statistical prior probability.

Labcorp Genetics (formerly Invitae), Labcorp
Classification: Uncertain significance for Hereditary breast ovarian cancer syndrome. Last evaluated: 2021-07-19. Review status: criteria provided, single submitter. Criteria: Invitae Variant Classification Sherloc (09022015). Collection method: clinical testing. Allele origin: germline.
Comment: This sequence change replaces valine with alanine at codon 1306 of the BRCA2 protein (p.Val1306Ala). The valine residue is moderately conserved and there is a small physicochemical difference between valine and alanine. This variant is present in population databases (rs80358637, ExAC 0.008%). This variant has not been reported in the literature in individuals affected with BRCA2-related conditions. ClinVar contains an entry for this variant (Variation ID: 51563). Advanced modeling of protein sequence and biophysical properties (such as structural, functional, and spatial information, amino acid conservation, physicochemical variation, residue mobility, and thermodynamic stability) performed at Invitae indicates that this missense variant is not expected to disrupt BRCA2 protein function. In summary, the available evidence is currently insufficient to determine the role of this variant in disease. Therefore, it has been classified as a Variant of Uncertain Significance.

Breast Cancer Information Core (BIC) (BRCA2)
Classification: Uncertain significance for Breast-ovarian cancer, familial 2. Last evaluated: 2004-02-20. Review status: no assertion criteria provided. Collection method: clinical testing. Allele origin: germline. Affected: yes. Observed: 1 variant allele. Not counted in ClinVar's aggregate classification.

NM_000059.4(BRCA2):c.3917T>C (p.Val1306Ala)

Gene: BRCA2 (BRCA2 DNA repair associated; plus strand). Cytogenetic location: 13q13.1.
Variant type: single nucleotide variant.
Coding change: c.3917T>C on transcript NM_000059.4 (MANE Select); coding-DNA position 3917, T replaced by C.
Protein change: p.Val1306Ala; replaces valine 1306 with alanine.
Molecular consequence: missense variant.
Genome position (GRCh38, 1-based): chr13:32,338,272, T>C. VCF-style: chr13-32338272-T-C. GRCh37 (hg19) VCF-style: chr13-32912409-T-C.
Other names: short protein forms V1306A.
Identifiers: ClinVar variation 51563 (VCV000051563.11), dbSNP rs80358637, ClinGen allele CA019180.